The following is an entry in ClinVar:

ClinVar aggregate classification (germline): Pathogenic (1 of 4 stars; one submission).

Submission:

Labcorp Genetics (formerly Invitae), Labcorp
Classification: Pathogenic. Last evaluated: 2024-05-14. Review status: criteria provided, single submitter. Criteria: Invitae Variant Classification Sherloc (09022015). Collection method: clinical testing. Allele origin: germline.
Comment: This sequence change creates a premature translational stop signal (p.Tyr735*) in the CAD gene. It is expected to result in an absent or disrupted protein product. Loss-of-function variants in CAD are known to be pathogenic (PMID: 28007989, 32117025, 32820246, 33497533). This variant is not present in population databases (gnomAD no frequency). This variant has not been reported in the literature in individuals affected with CAD-related conditions. Algorithms developed to predict the effect of sequence changes on RNA splicing suggest that this variant may disrupt the consensus splice site. For these reasons, this variant has been classified as Pathogenic.

Literature cited by the submitters: PubMed 28007989; PubMed 32117025; PubMed 32820246; PubMed 33497533.

NM_004341.5(CAD):c.2205T>G (p.Tyr735Ter)

Gene: CAD (carbamoyl-phosphate synthetase 2, aspartate transcarbamylase, and dihydroorotase; plus strand). Cytogenetic location: 2p23.3.
Variant type: single nucleotide variant.
Coding change: c.2205T>G on transcript NM_004341.5 (MANE Select); coding-DNA position 2205, T replaced by G.
Protein change: p.Tyr735Ter; replaces tyrosine 735 with a stop codon.
Molecular consequence: nonsense.
Genome position (GRCh38, 1-based): chr2:27,226,880, T>G. VCF-style: chr2-27226880-T-G. GRCh37 (hg19) VCF-style: chr2-27449748-T-G.
Other names: c.2016T>G, p.Tyr672Ter (NM_001306079.2); short protein forms Y672*, Y735*.
Identifiers: ClinVar variation 3652798 (VCV003652798.2).